The following is an entry in ClinVar:

ClinVar aggregate classification (germline): Conflicting classifications of pathogenicity. Review status: criteria provided, conflicting classifications (1 of 4 stars). 2 submissions from 2 submitters: Likely pathogenic (1); Uncertain significance (1). Last evaluated 2021-04-16.

Conditions:
Hereditary cancer-predisposing syndrome. Also called: Tumor predisposition; Hereditary Cancer Syndrome; Hereditary neoplastic syndrome; Neoplastic Syndromes, Hereditary. Identifiers: Orphanet 140162, MedGen C0027672, MeSH D009386, MONDO:0015356.

Submissions (2):

Ambry Genetics
Classification: Likely pathogenic for Hereditary cancer-predisposing syndrome. Last evaluated: 2021-04-16. Review status: criteria provided, single submitter. Criteria: Ambry Variant Classification Scheme 2023. Collection method: clinical testing. Allele origin: germline.
Comment: The c.93+5G>C intronic variant results from a G to C substitution 5 nucleotides after coding exon 1 in the BRIP1 gene. This nucleotide position is highly conserved in available vertebrate species. In silico splice site analysis predicts that this alteration will weaken the native splice donor site. RNA studies have demonstrated that this alteration results in abnormal splicing in the set of samples tested (Ambry internal data). Based on the majority of available evidence to date, this variant is likely to be pathogenic.

GeneDx
Classification: Uncertain significance. Last evaluated: 2014-05-05. Review status: criteria provided, single submitter. Criteria: GeneDx Variant Classification (06012015). Collection method: clinical testing. Allele origin: germline. Affected: yes.
Comment: This variant is denoted BRIP1 c.93+5G>C or IVS2+5G>C and consists of a G>C nucleotide substitution at the +5 position of intron 2 of the BRIP1 gene. Multiple in silico models predict this variant to destroy the nearby natural donor site, and to possibly cause abnormal gene splicing. This variant has not, to our knowledge, been published in the literature as pathogenic or benign. BRIP1 c.93+5G>C was not observed in approximately 6,500 individuals of European and African American ancestry in the NHLBI Exome Sequencing Project, indicating it is not a common benign variant in these populations. BRIP1 c.93+5G>C occurs at a position that is well-conserved across species. Based on currently available information, it is unclear whether BRIP1 c.93+5G>C is pathogenic or benign. We consider it to be a variant of uncertain significance.

NM_032043.3(BRIP1):c.93+5G>C

Gene: BRIP1 (BRCA1 interacting DNA helicase 1; minus strand). Cytogenetic location: 17q23.2.
Variant type: single nucleotide variant.
Coding change: c.93+5G>C on transcript NM_032043.3 (MANE Select); 5 bases into the intron after coding-DNA position 93, G replaced by C.
Molecular consequence: intron variant.
Genome position (GRCh38, 1-based): chr17:61,861,442, C>G on the plus strand (G>C on the coding strand, the complement: BRIP1 is on the minus strand). VCF-style: chr17-61861442-C-G. GRCh37 (hg19) VCF-style: chr17-59938803-C-G.
Identifiers: ClinVar variation 182339 (VCV000182339.4), dbSNP rs730881629, ClinGen allele CA298853.